The following is an entry in ClinVar:

NM_001080467.3(MYO5B):c.3396+9T>C

Gene: MYO5B (myosin VB; minus strand). Cytogenetic location: 18q21.1.
Variant type: single nucleotide variant.
Coding change: c.3396+9T>C on transcript NM_001080467.3 (MANE Select); 9 bases into the intron after coding-DNA position 3396, T replaced by C.
Molecular consequence: intron variant.
Genome position (GRCh38, 1-based): chr18:49,877,754, A>G on the plus strand (T>C on the coding strand, the complement: MYO5B is on the minus strand). VCF-style: chr18-49877754-A-G. GRCh37 (hg19) VCF-style: chr18-47404124-A-G.
Other names: p.?.
Identifiers: ClinVar variation 327028 (VCV000327028.21), dbSNP rs75971548, ClinGen allele CA8960740.
Genomic context (GRCh38, chr18:49,877,754, plus strand): 5'-AGTTCCACACAGAAAAAAACACACACTCCCTCTGGAGGAGGACAGTACCCAAGAGCCTGC[A>G]TCACTCACCTCCACCTGCTGGAGGGCATCCTCAGTGTCTCCGATCTCAGATGTGGAGATG-3'

ClinVar aggregate classification (germline): Benign. Review status: criteria provided, multiple submitters, no conflicts (2 of 4 stars). 7 submissions from 7 submitters: Benign (7). Last evaluated 2026-02-03.

Conditions:
Congenital microvillous atrophy (DIAR2). Also called: DAVIDSON DISEASE; MICROVILLUS ATROPHY, CONGENITAL; Microvillus inclusion disease; Diarrhea 2 with microvillus atrophy, with or without cholestasis; CONGENITAL FAMILIAL PROTRACTED DIARRHEA WITH ENTEROCYTE BRUSH-BORDER ABNORMALITIES. Identifiers: Orphanet 2290, MedGen C0341306, MONDO:0009635, OMIM 251850.

Allele frequency attached by ClinVar (database versions not stated): TOPMed 0.03699; gnomAD 0.03854 and 0.04246; ESP Exome Variant Server 0.04171; 1000 Genomes Project 30x 0.05215; 1000 Genomes Project 0.05312; gnomAD exomes 0.05620 and 0.05761; ExAC 0.05913.
gnomAD v4.1: 88,590 of 1,613,816 alleles (5.5%); highest among the groups gnomAD compares: South Asian, 16%; 3,302 homozygotes.

Submissions (7):

Labcorp Genetics (formerly Invitae), Labcorp
Classification: Benign. Last evaluated: 2026-02-03. Review status: criteria provided, single submitter. Criteria: Invitae Variant Classification Sherloc (09022015). Collection method: clinical testing. Allele origin: germline.

Mayo Clinic Laboratories, Mayo Clinic
Classification: Benign. Last evaluated: 2024-06-20. Review status: criteria provided, single submitter. Criteria: ACMG Guidelines, 2015. Collection method: clinical testing. Allele origin: germline. Observed: 5 variant alleles.
Comment: BA1, BS2, BP4, BP7

Genome-Nilou Lab
Classification: Benign for Congenital microvillous atrophy. Last evaluated: 2021-09-05. Review status: criteria provided, single submitter. Criteria: ACMG Guidelines, 2015. Collection method: clinical testing. Allele origin: germline. Affected: no.

GeneDx
Classification: Benign. Last evaluated: 2019-01-10. Review status: criteria provided, single submitter. Criteria: GeneDx Variant Classification Process June 2021. Collection method: clinical testing. Allele origin: germline. Affected: yes.
Comment: This variant is associated with the following publications: (PMID: 29266534)

Illumina Laboratory Services, Illumina
Classification: Benign for Congenital microvillous atrophy. Last evaluated: 2018-01-13. Review status: criteria provided, single submitter. Criteria: ICSL Variant Classification Criteria 13 December 2019. Collection method: clinical testing. Allele origin: germline.
Comment: This variant was observed in the ICSL laboratory as part of a predisposition screen in an ostensibly healthy population. It had not been previously curated by ICSL or reported in the Human Gene Mutation Database (HGMD: prior to June 1st, 2018), and was therefore a candidate for classification through an automated scoring system. Utilizing variant allele frequency, disease prevalence and penetrance estimates, and inheritance mode, an automated score was calculated to assess if this variant is too frequent to cause the disease. Based on the score and internal cut-off values, a variant classified as benign is not then subjected to further curation. The score for this variant resulted in a classification of benign for this disease.

Laboratory for Molecular Medicine, Mass General Brigham Personalized Medicine
Classification: Benign. Last evaluated: 2016-03-28. Review status: criteria provided, single submitter. Criteria: LMM Criteria. Collection method: clinical testing. Allele origin: germline.
Comment: Variant identified in a genome or exome case(s) and assessed due to predicted null impact of the variant or pathogenic assertions in the literature or databases. Disclaimer: This variant has not undergone full assessment. The following are preliminary notes: Frequency

Breakthrough Genomics
Classification: Benign. Review status: criteria provided, single submitter. Criteria: ACMG Guidelines, 2015. Collection method: not provided. Allele origin: germline. Inheritance: Autosomal recessive inheritance. Affected: yes.

Literature cited by the submitters: PubMed 29266534 (cited by Mayo Clinic Laboratories, Mayo Clinic).